The following is an entry in ClinVar:

NM_000061.3(BTK):c.763C>T (p.Arg255Ter)

Gene: BTK (Bruton tyrosine kinase; minus strand). Cytogenetic location: Xq22.1.
Variant type: single nucleotide variant.
Coding change: c.763C>T on transcript NM_000061.3 (MANE Select); coding-DNA position 763, C replaced by T.
Protein change: p.Arg255Ter; replaces arginine 255 with a stop codon.
Molecular consequence: nonsense.
Genome position (GRCh38, 1-based): chrX:101,360,581, G>A on the plus strand (C>T on the coding strand, the complement: BTK is on the minus strand). VCF-style: chrX-101360581-G-A. GRCh37 (hg19) VCF-style: chrX-100615569-G-A.
Other names: c.865C>T, p.Arg289Ter (NM_001287344.2); c.763C>T, p.Arg255Ter (NM_001287345.2); short protein forms R255*, R289*.
Identifiers: ClinVar variation 11363 (VCV000011363.49), dbSNP rs128621193, ClinGen allele CA255809.

ClinVar aggregate classification (germline): Pathogenic. Review status: criteria provided, multiple submitters, no conflicts (2 of 4 stars). 13 submissions from 13 submitters: Pathogenic (11). 2 of the submissions do not count toward it. Last evaluated 2025-08-03.

Conditions:
Autosomal recessive agammaglobulinemia 1 (AGM1). Also called: AGAMMAGLOBULINEMIA, AUTOSOMAL RECESSIVE, DUE TO IGHM DEFECT; Agammaglobulinemia type 1. Identifiers: MedGen C3152144, MONDO:0020729, OMIM 601495.
X-linked agammaglobulinemia (XLA). Also called: Agammaglobulinemia, Bruton tyrosine kinase; Agammaglobulinemia, BTK; BTK-deficiency; Bruton-type agammaglobulinemia; Bruton's agammaglobulinemia; AGAMMAGLOBULINEMIA, X-LINKED, TYPE 1. Identifiers: Orphanet 229717, Orphanet 47, MedGen C0221026, MONDO:0010421, OMIM 300755.
X-linked agammaglobulinemia with growth hormone deficiency (IGHD3). Also called: AGAMMAGLOBULINEMIA AND ISOLATED GROWTH HORMONE DEFICIENCY, X-LINKED; ISOLATED GROWTH HORMONE DEFICIENCY, TYPE III, WITH AGAMMAGLOBULINEMIA; FLEISHER SYNDROME; Isolated growth hormone deficiency type 3; Growth hormone deficiency with hypogammaglobulinemia; HYPOGAMMAGLOBULINEMIA AND ISOLATED GROWTH HORMONE DEFICIENCY, X-LINKED. Identifiers: Orphanet 231692, Orphanet 631, MedGen C0472813, MONDO:0010615, OMIM 307200.

Submissions (13):

Labcorp Genetics (formerly Invitae), Labcorp
Classification: Pathogenic for X-linked agammaglobulinemia with growth hormone deficiency. Last evaluated: 2025-08-03. Review status: criteria provided, single submitter. Criteria: Invitae Variant Classification Sherloc (09022015). Collection method: clinical testing. Allele origin: germline.
Comment: This sequence change creates a premature translational stop signal (p.Arg255*) in the BTK gene. It is expected to result in an absent or disrupted protein product. Loss-of-function variants in BTK are known to be pathogenic (PMID: 15661032, 16862044, 19419768). This variant is not present in population databases (gnomAD no frequency). This premature translational stop signal has been observed in individuals with X-linked agammaglobulinemia (PMID: 8162056, 27512878, 29503650, 30564228). This variant is also known as 895C>T. ClinVar contains an entry for this variant (Variation ID: 11363). For these reasons, this variant has been classified as Pathogenic.

Next Generation Genetic Polyclinic
Classification: Pathogenic for X-linked agammaglobulinemia. Last evaluated: 2025-04-11. Review status: criteria provided, single submitter. Criteria: ACMG Guidelines, 2015. Collection method: curation. Allele origin: germline. Affected: yes. Observed: 1 variant allele.
Comment: A pathogenic variant in the BTK gene (c.763C>T) was identified by curation in a hemizygous state consistent with X-linked recessive inheritance. This variant is well-established in the literature and associated with X-linked agammaglobulinemia, classified as Pathogenic.

GeneDx
Classification: Pathogenic. Last evaluated: 2025-04-03. Review status: criteria provided, single submitter. Criteria: GeneDx Variant Classification Process June 2021. Collection method: clinical testing. Allele origin: germline.
Comment: Nonsense variant predicted to result in protein truncation or nonsense mediated decay in a gene for which loss of function is a known mechanism of disease; Not observed at significant frequency in large population cohorts (gnomAD); This variant is associated with the following publications: (PMID: 31967259, 25525159, 33471103, 33083013, 32888943, 35729272, 29424453, 27512878, 30564228, 32552675, 29503650, 8162056)

Rady Children's Institute for Genomic Medicine, Rady Children's Hospital San Diego
Classification: Pathogenic for Agammaglobulinemia, X-Linked. Last evaluated: 2024-11-13. Review status: criteria provided, single submitter. Criteria: ACMG Guidelines, 2015. Collection method: clinical testing. Allele origin: germline. Affected: yes.
Comment: This nonsense variant found in exon 8 of 19 is predicted to result in loss of normal protein function through either protein truncation or nonsense-mediated mRNA decay. The BTK gene is constrained against variation (Z-score= 4.04 and pLI = 1), and loss-of-function variants are an established mechanism of disease (HGMD, ClinVar database; PMID: 20301626). This variant has been previously reported as a hemizygous change in patients with agammaglobulinemia (PMID: 8162056, 29424453, 32552675, 33471103, 32888943, 35729272). The c.763C>T (p.Arg255Ter) variant is absent from the latest version of the gnomAD population database and thus is presumed to be rare. Based on the available evidence, c.763C>T (p.Arg255Ter) is classified as Pathogenic.

Genomic Medicine Center of Excellence, King Faisal Specialist Hospital and Research Centre
Classification: Pathogenic for X-linked agammaglobulinemia. Last evaluated: 2024-03-14. Review status: criteria provided, single submitter. Criteria: ACMG Guidelines, 2015. Collection method: research. Allele origin: germline.

Diagnostic Genetics, Severance Hospital, Yonsei University College of Medicine
Classification: Pathogenic for X-linked agammaglobulinemia. Last evaluated: 2023-01-03. Review status: criteria provided, single submitter. Criteria: ACMG Guidelines, 2015. Collection method: clinical testing. Allele origin: germline. Affected: yes.

CeGaT Center for Human Genetics Tuebingen
Classification: Pathogenic. Last evaluated: 2022-09-01. Review status: criteria provided, single submitter. Criteria: CeGaT Center For Human Genetics Tuebingen Variant Classification Criteria Version 2. Collection method: clinical testing. Allele origin: germline. Affected: yes. Observed: 1 variant allele.
Comment: BTK: PVS1, PM2, PS4:Moderate

Mendelics
Classification: Pathogenic for X-linked agammaglobulinemia. Last evaluated: 2019-05-28. Review status: criteria provided, single submitter. Criteria: Mendelics Assertion Criteria 2017. Collection method: clinical testing. Allele origin: unknown.

Women's Health and Genetics/Laboratory Corporation of America, LabCorp
Classification: Pathogenic for X-linked agammaglobulinemia. Last evaluated: 2019-01-25. Review status: criteria provided, single submitter. Criteria: LabCorp Variant Classification Summary - May 2015. Collection method: clinical testing. Allele origin: germline.
Comment: Variant summary: BTK c.763C>T (p.Arg255X) results in a premature termination codon, predicted to cause a truncation of the encoded protein or absence of the protein due to nonsense mediated decay, which are commonly known mechanisms for disease. The variant was absent in 178404 control chromosomes (gnomAD). c.763C>T has been reported in the literature in multiple individuals affected with X-linked Agammaglobulinemia (e.g. Fiorini 2004, Conley 2005, Chen 2016). These data indicate that the variant is very likely to be associated with disease. To our knowledge, no experimental evidence demonstrating an impact on protein function has been reported. No clinical diagnostic laboratories have submitted clinical-significance assessments for this variant to ClinVar after 2014. Based on the evidence outlined above, the variant was classified as pathogenic.

Clinical Genetics and Genomics, Karolinska University Hospital
Classification: Pathogenic. Last evaluated: 2014-10-08. Review status: criteria provided, single submitter. Criteria: ACMG Guidelines, 2015. Collection method: clinical testing. Allele origin: germline. Affected: yes. Observed: 2 variant alleles.

CENTOGENE GmbH and LLC - Guiding Precision Medicine
Classification: Pathogenic for X-linked agammaglobulinemia. Review status: criteria provided, single submitter. Criteria: ACMG Guidelines, 2015. Collection method: clinical testing. Allele origin: germline. Affected: yes.

Clinical Molecular Genetics Laboratory, Johns Hopkins All Children's Hospital
Classification: Pathogenic for Autosomal agammaglobulinemia. Last evaluated: 2013-03-19. Review status: no assertion criteria provided. Collection method: clinical testing. Allele origin: germline. Affected: yes. Not counted in ClinVar's aggregate classification.

OMIM
Classification: Pathogenic for AGAMMAGLOBULINEMIA, X-LINKED. Last evaluated: 1994-01-01. Review status: no assertion criteria provided. Collection method: literature only. Allele origin: germline. Not counted in ClinVar's aggregate classification.

Literature cited by the submitters: PubMed 15661032 (cited by Labcorp Genetics (formerly Invitae), Labcorp and Women's Health and Genetics/Laboratory Corporation of America, LabCorp); PubMed 16862044 (cited by Labcorp Genetics (formerly Invitae), Labcorp); PubMed 19419768 (cited by Labcorp Genetics (formerly Invitae), Labcorp); PubMed 8162056 (cited by 3 submitters); PubMed 27512878 (cited by Labcorp Genetics (formerly Invitae), Labcorp and Women's Health and Genetics/Laboratory Corporation of America, LabCorp); PubMed 29503650 (cited by Labcorp Genetics (formerly Invitae), Labcorp); PubMed 30564228 (cited by Labcorp Genetics (formerly Invitae), Labcorp); PubMed 20301626 (cited by Rady Children's Institute for Genomic Medicine, Rady Children's Hospital San Diego); PubMed 29424453 (cited by Rady Children's Institute for Genomic Medicine, Rady Children's Hospital San Diego); PubMed 32552675 (cited by Rady Children's Institute for Genomic Medicine, Rady Children's Hospital San Diego); PubMed 33471103 (cited by Rady Children's Institute for Genomic Medicine, Rady Children's Hospital San Diego); PubMed 32888943 (cited by Rady Children's Institute for Genomic Medicine, Rady Children's Hospital San Diego); PubMed 35729272 (cited by Rady Children's Institute for Genomic Medicine, Rady Children's Hospital San Diego); PubMed 14974089 (cited by Women's Health and Genetics/Laboratory Corporation of America, LabCorp).